The following is an entry in ClinVar:

ClinVar aggregate classification (germline): Uncertain significance (1 of 4 stars; one submission).

Conditions:
Inborn genetic diseases. Identifiers: MedGen C0950123, MeSH D030342.

Submission:

Ambry Genetics
Classification: Uncertain significance for Inborn genetic diseases. Last evaluated: 2025-07-10. Review status: criteria provided, single submitter. Criteria: Ambry Variant Classification Scheme 2023. Collection method: clinical testing. Allele origin: germline.
Comment: The p.V304D variant (also known as c.911T>A), located in coding exon 1 of the SAMD9 gene, results from a T to A substitution at nucleotide position 911. The valine at codon 304 is replaced by aspartic acid, an amino acid with highly dissimilar properties. This amino acid position is conserved. In addition, the in silico prediction for this alteration is inconclusive. Based on the available evidence, the clinical significance of this variant remains unclear.

NM_017654.4(SAMD9):c.911T>A (p.Val304Asp)

Gene: SAMD9 (sterile alpha motif domain containing 9; minus strand). Cytogenetic location: 7q21.2.
Variant type: single nucleotide variant.
Coding change: c.911T>A on transcript NM_017654.4 (MANE Select); coding-DNA position 911, T replaced by A.
Protein change: p.Val304Asp; replaces valine 304 with aspartic acid.
Molecular consequence: missense variant.
Genome position (GRCh38, 1-based): chr7:93,105,187, A>T on the plus strand (T>A on the coding strand, the complement: SAMD9 is on the minus strand). VCF-style: chr7-93105187-A-T. GRCh37 (hg19) VCF-style: chr7-92734500-A-T.
Other names: c.911T>A, p.Val304Asp (NM_001193307.2); short protein forms V304D.
Identifiers: ClinVar variation 4159074 (VCV004159074.1).